The following is an entry in ClinVar:

ClinVar aggregate classification (germline): Uncertain significance (1 of 4 stars; one submission).

Submission:

GeneDx
Classification: Uncertain significance. Last evaluated: 2025-08-13. Review status: criteria provided, single submitter. Criteria: GeneDx Variant Classification Process June 2021. Collection method: clinical testing. Allele origin: germline. Affected: yes.
Comment: In silico analysis supports a deleterious effect on splicing; Has not been previously published as pathogenic or benign to our knowledge; No data available from control populations to assess the frequency of this variant; Located in a regulatory region; in the absence of functional studies, the actual effect of this sequence change is unknown

NM_017739.4(POMGNT1):c.-51+1G>A

Gene: POMGNT1 (protein O-linked mannose N-acetylglucosaminyltransferase 1 (beta 1,2-); minus strand). Cytogenetic location: 1p34.1.
Variant type: single nucleotide variant.
Coding change: c.-51+1G>A on transcript NM_017739.4 (MANE Select); the canonical splice donor site of the intron after 51 bases upstream of the start codon, G replaced by A.
Molecular consequence: splice donor variant. On other transcripts: 5 prime UTR variant (5), intron variant (1).
Genome position (GRCh38, 1-based): chr1:46,198,335, C>T on the plus strand (G>A on the coding strand, the complement: POMGNT1 is on the minus strand). VCF-style: chr1-46198335-C-T. GRCh37 (hg19) VCF-style: chr1-46664007-C-T.
Other names: c.-335G>A (NM_001410783.1, NM_001438689.1); c.-99G>A (NM_001437653.1, NM_001438688.1); c.-407G>A (NM_001438692.1); c.-50-464G>A (NM_001243766.2); c.-51+1G>A (NM_001438686.1); c.-359+1G>A (NM_001290129.3, NM_001438691.1).
Identifiers: ClinVar variation 4795469 (VCV004795469.1).
Genomic context (GRCh38, chr1:46,198,335, plus strand): 5'-GGCTCAGGAGACCTGCACCGGCAGCGCTACCCGTTCCGGACACCCACGCGGAGGCACTCA[C>T]GGCTTAGGGGCCCCGGGCCCCGCTCGGGCCCCGCTAGGGCCCTCACTGCTCGGCCCGGCT-3'